The following is an entry in ClinVar:

NM_053025.4(MYLK):c.4109T>C (p.Ile1370Thr)

Gene: MYLK (myosin light chain kinase; minus strand). Cytogenetic location: 3q21.1.
Variant type: single nucleotide variant.
Coding change: c.4109T>C on transcript NM_053025.4 (MANE Select); coding-DNA position 4109, T replaced by C.
Protein change: p.Ile1370Thr; replaces isoleucine 1370 with threonine.
Molecular consequence: missense variant.
Genome position (GRCh38, 1-based): chr3:123,657,305, A>G on the plus strand (T>C on the coding strand, the complement: MYLK is on the minus strand). VCF-style: chr3-123657305-A-G. GRCh37 (hg19) VCF-style: chr3-123376152-A-G.
Other names: c.3902T>C, p.Ile1301Thr (NM_053026.4, NM_053028.4); c.4109T>C, p.Ile1370Thr (NM_053027.4); c.3581T>C, p.Ile1194Thr (NM_001321309.2); short protein forms I1301T, I1370T, I1194T.
Identifiers: ClinVar variation 1737901 (VCV001737901.2), dbSNP rs2059418682, ClinGen allele CA354228116.

ClinVar aggregate classification (germline): Uncertain significance (1 of 4 stars; one submission).

Conditions:
Familial thoracic aortic aneurysm and aortic dissection (TAAD). Also called: Thoracic aortic aneurysms and dissections. Identifiers: Orphanet 91387, MedGen C4707243, MONDO:0019625.

Allele frequency attached by ClinVar (database versions not stated): TOPMed below 0.00001.

Submission:

Ambry Genetics
Classification: Uncertain significance for Familial thoracic aortic aneurysm and aortic dissection. Last evaluated: 2022-10-17. Review status: criteria provided, single submitter. Criteria: Ambry Variant Classification Scheme 2023. Collection method: clinical testing. Allele origin: germline.
Comment: The p.I1370T variant (also known as c.4109T>C), located in coding exon 21 of the MYLK gene, results from a T to C substitution at nucleotide position 4109. The isoleucine at codon 1370 is replaced by threonine, an amino acid with similar properties. This amino acid position is conserved. In addition, the in silico prediction for this alteration is inconclusive. Since supporting evidence is limited at this time, the clinical significance of this alteration remains unclear.